The following is an entry in ClinVar:

ClinVar aggregate classification (germline): Likely benign (0 of 4 stars; one submission).

Conditions:
KCNQ1-related disorder. Also called: KCNQ1-related condition; KCNQ1-related disorders. Identifiers: MedGen CN239322.

Allele frequency attached by ClinVar (database versions not stated): gnomAD exomes below 0.00001; TOPMed 0.00001; gnomAD 0.00003.
gnomAD v4.1: 5 of 398,562 alleles (0.0013%); highest among the groups gnomAD compares: East Asian, 0.014%; no homozygotes.

Submission:

PreventionGenetics, part of Exact Sciences
Classification: Likely benign for KCNQ1-related condition. Last evaluated: 2023-07-09. Review status: no assertion criteria provided. Collection method: clinical testing. Allele origin: germline.
Comment: This variant is classified as likely benign based on ACMG/AMP sequence variant interpretation guidelines (Richards et al. 2015 PMID: 25741868, with internal and published modifications).

NM_000218.3(KCNQ1):c.1514+19385C>G

Genes: KCNQ1 (potassium voltage-gated channel subfamily Q member 1; plus strand), KCNQ1OT1 (KCNQ1 opposite strand/antisense transcript 1; minus strand). Cytogenetic location: 11p15.5.
Variant type: single nucleotide variant.
Coding change: c.1514+19385C>G on transcript NM_000218.3 (MANE Select); 19385 bases into the intron after coding-DNA position 1514, C replaced by G.
Molecular consequence: intron variant. On other transcripts: non-coding transcript variant (1).
Genome position (GRCh38, 1-based): chr11:2,681,466, C>G. VCF-style: chr11-2681466-C-G. GRCh37 (hg19) VCF-style: chr11-2702696-C-G.
Other names: c.1244+19385C>G (NM_001406837.1); c.1418+19385C>G (NM_001406836.1); c.974+19385C>G (NM_001406838.1); c.1133+19385C>G (NM_181798.2).
Identifiers: ClinVar variation 3036059 (VCV003036059.2), dbSNP rs779360117, ClinGen allele CA216185349.
Genomic context (GRCh38, chr11:2,681,466, plus strand): 5'-AGAATGGGGATCCCTGTGACAGCTCTAGGGGATTTTGGGACCAGATAACCTTAATGGCCT[C>G]AGGCTCCCTAGATGAGAAATGGGACTTAGTAAAGTCAAACTGGTCCAGGTTAAGCCAGCC-3'